The following is an entry in ClinVar:

NM_016239.4(MYO15A):c.1870del (p.Thr624fs)

Gene: MYO15A (myosin XVA; plus strand). Cytogenetic location: 17p11.2.
Variant type: Deletion.
Coding change: c.1870del on transcript NM_016239.4 (MANE Select); coding-DNA position 1870, one base deleted (A; older notation c.1870delA).
Protein change: p.Thr624fs; shifts the reading frame from threonine 624.
Molecular consequence: frameshift variant.
Genome position (GRCh38, 1-based): chr17:18,120,670, A deleted. VCF-style (leftmost placement, unchanged base first): chr17-18120669-CA-C. GRCh37 (hg19) VCF-style: chr17-18023983-CA-C.
Other names: short protein forms T624fs.
Identifiers: ClinVar variation 3601284 (VCV003601284.1).

ClinVar aggregate classification (germline): Likely pathogenic (1 of 4 stars; one submission).

Conditions:
Autosomal recessive nonsyndromic hearing loss 3. Also called: NEUROSENSORY NONSYNDROMIC RECESSIVE DEAFNESS 3. Identifiers: Orphanet 90636, MedGen C1838263, MONDO:0010860, OMIM 600316.

Submission:

Institute of Rare Diseases, West China Hospital, Sichuan University
Classification: Likely pathogenic for Autosomal recessive nonsyndromic hearing loss 3. Last evaluated: 2025-01-09. Review status: criteria provided, single submitter. Criteria: ClinGen HL ACMG Specifications v1. Collection method: research. Allele origin: germline. Affected: yes.
Comment: PVS1;PM2_Supporting